The following is an entry in ClinVar:

ClinVar aggregate classification (germline): Uncertain significance (1 of 4 stars; one submission).

Allele frequency attached by ClinVar (database versions not stated): ExAC 0.00001; gnomAD exomes 0.00001; gnomAD 0.00002; TOPMed 0.00003.
gnomAD v4.1: 17 of 1,614,090 alleles (0.0011%); highest among the groups gnomAD compares: Admixed American, 0.01%; no homozygotes.

Submission:

Labcorp Genetics (formerly Invitae), Labcorp
Classification: Uncertain significance. Last evaluated: 2025-08-05. Review status: criteria provided, single submitter. Criteria: Invitae Variant Classification Sherloc (09022015). Collection method: clinical testing. Allele origin: germline.
Comment: This sequence change creates a premature translational stop signal (p.Gln586*) in the KL gene. It is expected to result in an absent or disrupted protein product. However, the current clinical and genetic evidence is not sufficient to establish whether loss-of-function variants in KL cause disease. This variant is present in population databases (rs770780681, gnomAD 0.003%). This variant has not been reported in the literature in individuals affected with KL-related conditions. ClinVar contains an entry for this variant (Variation ID: 2168439). In summary, the available evidence is currently insufficient to determine the role of this variant in disease. Therefore, it has been classified as a Variant of Uncertain Significance.

NM_004795.4(KL):c.1756C>T (p.Gln586Ter)

Gene: KL (klotho; plus strand). Cytogenetic location: 13q13.1.
Variant type: single nucleotide variant.
Coding change: c.1756C>T on transcript NM_004795.4 (MANE Select); coding-DNA position 1756, C replaced by T.
Protein change: p.Gln586Ter; replaces glutamine 586 with a stop codon.
Molecular consequence: nonsense.
Genome position (GRCh38, 1-based): chr13:33,060,835, C>T. VCF-style: chr13-33060835-C-T. GRCh37 (hg19) VCF-style: chr13-33634972-C-T.
Other names: short protein forms Q586*.
Identifiers: ClinVar variation 2168439 (VCV002168439.4), dbSNP rs770780681, ClinGen allele CA6944172.